The following is an entry in ClinVar:

ClinVar aggregate classification (germline): Uncertain significance. Review status: criteria provided, multiple submitters, no conflicts (2 of 4 stars). 2 submissions from 2 submitters: Uncertain significance (2). Last evaluated 2025-09-02.

Conditions:
Inborn genetic diseases. Identifiers: MedGen C0950123, MeSH D030342.

gnomAD v4.1: 42 of 1,614,098 alleles (0.0026%); highest among the groups gnomAD compares: Admixed American, 0.01%; no homozygotes.

Submissions (2):

Labcorp Genetics (formerly Invitae), Labcorp
Classification: Uncertain significance. Last evaluated: 2025-09-02. Review status: criteria provided, single submitter. Criteria: Invitae Variant Classification Sherloc (09022015). Collection method: clinical testing. Allele origin: germline.
Comment: This sequence change replaces leucine, which is neutral and non-polar, with phenylalanine, which is neutral and non-polar, at codon 744 of the DUOX2 protein (p.Leu744Phe). This variant is present in population databases (rs764697779, gnomAD 0.02%). This variant has not been reported in the literature in individuals affected with DUOX2-related conditions. ClinVar contains an entry for this variant (Variation ID: 1363958). Invitae Evidence Modeling of protein sequence and biophysical properties (such as structural, functional, and spatial information, amino acid conservation, physicochemical variation, residue mobility, and thermodynamic stability) indicates that this missense variant is not expected to disrupt DUOX2 protein function with a negative predictive value of 80%. In summary, the available evidence is currently insufficient to determine the role of this variant in disease. Therefore, it has been classified as a Variant of Uncertain Significance.

Ambry Genetics
Classification: Uncertain significance for Inborn genetic diseases. Last evaluated: 2025-08-30. Review status: criteria provided, single submitter. Criteria: Ambry Variant Classification Scheme 2023. Collection method: clinical testing. Allele origin: germline.

NM_001363711.2(DUOX2):c.2230C>T (p.Leu744Phe)

Gene: DUOX2 (dual oxidase 2; minus strand). Cytogenetic location: 15q21.1.
Variant type: single nucleotide variant.
Coding change: c.2230C>T on transcript NM_001363711.2 (MANE Select); coding-DNA position 2230, C replaced by T.
Protein change: p.Leu744Phe; replaces leucine 744 with phenylalanine.
Molecular consequence: missense variant.
Genome position (GRCh38, 1-based): chr15:45,105,747, G>A on the plus strand (C>T on the coding strand, the complement: DUOX2 is on the minus strand). VCF-style: chr15-45105747-G-A. GRCh37 (hg19) VCF-style: chr15-45397945-G-A.
Other names: c.2230C>T (NM_014080.4); c.2230C>T, p.Leu744Phe (NM_014080.5); short protein forms L744F.
Identifiers: ClinVar variation 1363958 (VCV001363958.6), dbSNP rs764697779, ClinGen allele CA7538320.